The following is an entry in ClinVar:

NM_024675.4(PALB2):c.3450C>T (p.Leu1150=)

Gene: PALB2 (partner and localizer of BRCA2; minus strand). Cytogenetic location: 16p12.2.
Variant type: single nucleotide variant.
Coding change: c.3450C>T on transcript NM_024675.4 (MANE Select); coding-DNA position 3450, C replaced by T.
Protein change: p.Leu1150=; no amino-acid change (leucine 1150 retained).
Molecular consequence: synonymous variant.
Genome position (GRCh38, 1-based): chr16:23,603,570, G>A on the plus strand (C>T on the coding strand, the complement: PALB2 is on the minus strand). VCF-style: chr16-23603570-G-A. GRCh37 (hg19) VCF-style: chr16-23614891-G-A.
Identifiers: ClinVar variation 1662185 (VCV001662185.12), dbSNP rs2142253555, ClinGen allele CA494173617.

ClinVar aggregate classification (germline): Benign/Likely benign. Review status: criteria provided, multiple submitters, no conflicts (2 of 4 stars). 3 submissions from 3 submitters: Benign (1); Likely benign (2). Last evaluated 2025-01-22.

Conditions:
Hereditary cancer-predisposing syndrome. Also called: Tumor predisposition; Hereditary neoplastic syndrome; Neoplastic Syndromes, Hereditary; Hereditary Cancer Syndrome. Identifiers: Orphanet 140162, MedGen C0027672, MeSH D009386, MONDO:0015356.
Familial cancer of breast. Also called: Hereditary breast cancer; BREAST CANCER, FAMILIAL; hereditary breast carcinoma. Identifiers: Orphanet 227535, MedGen C0346153, MONDO:0016419, OMIM 114480. Disease mechanism: loss of function.

Allele frequency attached by ClinVar (database versions not stated): gnomAD exomes below 0.00001.
gnomAD v4.1: 1 of 1,614,070 alleles (0.000062%); highest among the groups gnomAD compares: Non-Finnish European, 0.000085%; no homozygotes.

Submissions (3):

Myriad Genetics, Inc.
Classification: Benign for Familial cancer of breast. Last evaluated: 2025-01-22. Review status: criteria provided, single submitter. Criteria: Myriad Autosomal Dominant, Autosomal Recessive and X-Linked Classification Criteria (2023). Collection method: clinical testing. Allele origin: unknown.
Comment: This variant is considered benign. This variant is a silent/synonymous amino acid change and it is not expected to impact splicing.

Ambry Genetics
Classification: Likely benign for Hereditary cancer-predisposing syndrome. Last evaluated: 2022-10-22. Review status: criteria provided, single submitter. Criteria: Ambry Variant Classification Scheme 2023. Collection method: clinical testing. Allele origin: germline.

Labcorp Genetics (formerly Invitae), Labcorp
Classification: Likely benign for Familial cancer of breast. Last evaluated: 2021-08-06. Review status: criteria provided, single submitter. Criteria: Invitae Variant Classification Sherloc (09022015). Collection method: clinical testing. Allele origin: germline.